The following is an entry in ClinVar:

NM_024884.3(L2HGDH):c.141-20A>C

Gene: L2HGDH (L-2-hydroxyglutarate dehydrogenase; minus strand). Cytogenetic location: 14q21.3.
Variant type: single nucleotide variant.
Coding change: c.141-20A>C on transcript NM_024884.3 (MANE Select); 20 bases into the intron before coding-DNA position 141, A replaced by C.
Molecular consequence: intron variant.
Genome position (GRCh38, 1-based): chr14:50,303,037, T>G on the plus strand (A>C on the coding strand, the complement: L2HGDH is on the minus strand). VCF-style: chr14-50303037-T-G. GRCh37 (hg19) VCF-style: chr14-50769755-T-G.
Identifiers: ClinVar variation 2193998 (VCV002193998.2), dbSNP rs562977569, ClinGen allele CA7178110.
Genomic context (GRCh38, chr14:50,303,037, plus strand): 5'-GCCCCACAATTCCGCCACCAACGATGACTATATCAAATGAGCTTCAAAAGAAAGTCATCT[T>G]TAAAGTAATTCATATTTACAGTAGACCTCGCCAAACTTCACATGCATAATTTTCATCAAT-3'

ClinVar aggregate classification (germline): Uncertain significance (1 of 4 stars; one submission).

Conditions:
L-2-hydroxyglutaric aciduria (L2HGA). Identifiers: Orphanet 79314, MedGen C1855995, MONDO:0009370, OMIM 236792, HP:0040144.

Allele frequency attached by ClinVar (database versions not stated): gnomAD exomes 0.00001; ExAC 0.00003; gnomAD 0.00006; TOPMed 0.00006; 1000 Genomes Project 0.00020; 1000 Genomes Project 30x 0.00031.
gnomAD v4.1: 17 of 1,465,256 alleles (0.0012%); highest among the groups gnomAD compares: African/African-American, 0.022%; no homozygotes.

Submission:

Labcorp Genetics (formerly Invitae), Labcorp
Classification: Uncertain significance for L-2-hydroxyglutaric aciduria. Last evaluated: 2022-07-08. Review status: criteria provided, single submitter. Criteria: Invitae Variant Classification Sherloc (09022015). Collection method: clinical testing. Allele origin: germline.
Comment: In summary, the available evidence is currently insufficient to determine the role of this variant in disease. Therefore, it has been classified as a Variant of Uncertain Significance. Algorithms developed to predict the effect of sequence changes on RNA splicing suggest that this variant may create or strengthen a splice site. This variant has not been reported in the literature in individuals affected with L2HGDH-related conditions. This variant is present in population databases (rs562977569, gnomAD 0.03%). This sequence change falls in intron 1 of the L2HGDH gene. It does not directly change the encoded amino acid sequence of the L2HGDH protein.